The following is an entry in ClinVar:

ClinVar aggregate classification (germline): Uncertain significance (1 of 4 stars; one submission).

Allele frequency attached by ClinVar (database versions not stated): ExAC 0.00001; gnomAD 0.00002 and 0.00003; gnomAD exomes 0.00002 and 0.00004; TOPMed 0.00002; ESP Exome Variant Server 0.00008.
gnomAD v4.1: 58 of 1,608,170 alleles (0.0036%); highest among the groups gnomAD compares: Non-Finnish European, 0.0047%; no homozygotes.

Submission:

GeneDx
Classification: Uncertain significance. Last evaluated: 2014-04-04. Review status: criteria provided, single submitter. Criteria: GeneDx Variant Classification (06012015). Collection method: clinical testing. Allele origin: germline. Affected: yes.
Comment: p.Thr426Ile (ACA>ATA): c.1277 C>T in exon 10 of the GYS2 gene (NM_021957.3). The T426I variant has not been published as a mutation, nor has it been reported as a benign polymorphism to our knowledge. The T426I variant is a non-conservative amino acid substitution, which is likely to impact secondary protein structure as these residues differ in polarity, charge, size and/or other properties. This substitution occurs at a position that is conserved in vertebrates. In silico analysis is inconsistent in its predictions as to whether or not the variant is damaging to the protein structure/function. Therefore, based on the currently available information, it is unclear whether this variant is a pathogenic mutation or a rare benign variant. The variant is found in MITONUC-MITOP panel(s).

NM_021957.4(GYS2):c.1277C>T (p.Thr426Ile)

Genes: GYS2 (glycogen synthase 2; minus strand), LOC126861480 (CDK7 strongly-dependent group 2 enhancer GRCh37_chr12:21710858-21712057; plus strand). Cytogenetic location: 12p12.1.
Variant type: single nucleotide variant.
Coding change: c.1277C>T on transcript NM_021957.4 (MANE Select); coding-DNA position 1277, C replaced by T.
Protein change: p.Thr426Ile; replaces threonine 426 with isoleucine.
Molecular consequence: missense variant.
Genome position (GRCh38, 1-based): chr12:21,559,122, G>A on the plus strand (C>T on the coding strand, the complement: GYS2 is on the minus strand). VCF-style: chr12-21559122-G-A. GRCh37 (hg19) VCF-style: chr12-21712056-G-A.
Other names: p.T426I:ACA>ATA; short protein forms T426I.
Identifiers: ClinVar variation 214531 (VCV000214531.2), dbSNP rs150557084, ClinGen allele CA322622.